The following is an entry in ClinVar:

ClinVar aggregate classification (germline): Conflicting classifications of pathogenicity. Review status: criteria provided, conflicting classifications (1 of 4 stars). 4 submissions from 4 submitters: Uncertain significance (2); Benign (1); Likely benign (1). Last evaluated 2025-03-01.

Conditions:
Hereditary cancer-predisposing syndrome. Also called: Hereditary neoplastic syndrome; Hereditary Cancer Syndrome; Neoplastic Syndromes, Hereditary; Tumor predisposition. Identifiers: Orphanet 140162, MedGen C0027672, MeSH D009386, MONDO:0015356.
Ovarian cancer. Also called: OVARIAN CANCER, SOMATIC. Identifiers: Orphanet 213500, MedGen C1140680, MONDO:0008170, OMIM 167000.
Hereditary breast ovarian cancer syndrome. Also called: Hereditary breast and ovarian cancer syndrome; Hereditary breast and ovarian cancer syndrome (HBOC); Breast and ovarian cancer; Hereditary breast and/or ovarian cancer syndrome; Hereditary breast and ovarian cancer; BRCA1- and BRCA2-Associated Hereditary Breast and Ovarian Cancer. Identifiers: Orphanet 145, MedGen C0677776, MeSH D061325, MONDO:0003582. Disease mechanism: loss of function.

Allele frequency attached by ClinVar (database versions not stated): gnomAD exomes below 0.00001; ExAC 0.00001.
gnomAD v4.1: 1 of 1,614,072 alleles (0.000062%); highest among the groups gnomAD compares: East Asian, 0.0022%; no homozygotes.

Submissions (4):

Ambry Genetics
Classification: Uncertain significance for Hereditary cancer-predisposing syndrome. Last evaluated: 2025-03-01. Review status: criteria provided, single submitter. Criteria: Ambry Variant Classification Scheme 2023. Collection method: clinical testing. Allele origin: germline.
Comment: The p.K711E variant (also known as c.2131A>G), located in coding exon 9 of the BRCA1 gene, results from an A to G substitution at nucleotide position 2131. The lysine at codon 711 is replaced by glutamic acid, an amino acid with similar properties. This amino acid position is poorly conserved in available vertebrate species. In addition, the in silico prediction for this alteration is inconclusive. Since supporting evidence is limited at this time, the clinical significance of this alteration remains unclear.

University of Washington Department of Laboratory Medicine, University of Washington
Classification: Likely benign for Hereditary cancer-predisposing syndrome. Last evaluated: 2023-03-23. Review status: criteria provided, single submitter. Criteria: Dines et al. (Genet Med. 2020). Collection method: curation. Allele origin: germline.
Comment: Missense variant in a coldspot region where missense variants are very unlikely to be pathogenic (PMID:31911673).

BRCA1 coldspot (exon 11 using historical exon numbering). Reclassification based on statistical prior probability

Labcorp Genetics (formerly Invitae), Labcorp
Classification: Uncertain significance for Hereditary breast ovarian cancer syndrome. Last evaluated: 2022-12-24. Review status: criteria provided, single submitter. Criteria: Invitae Variant Classification Sherloc (09022015). Collection method: clinical testing. Allele origin: germline.
Comment: In summary, the available evidence is currently insufficient to determine the role of this variant in disease. Therefore, it has been classified as a Variant of Uncertain Significance. Advanced modeling of protein sequence and biophysical properties (such as structural, functional, and spatial information, amino acid conservation, physicochemical variation, residue mobility, and thermodynamic stability) performed at Invitae indicates that this missense variant is not expected to disrupt BRCA1 protein function. ClinVar contains an entry for this variant (Variation ID: 229793). This variant has not been reported in the literature in individuals affected with BRCA1-related conditions. This variant is present in population databases (rs747046197, gnomAD 0.006%). This sequence change replaces lysine, which is basic and polar, with glutamic acid, which is acidic and polar, at codon 711 of the BRCA1 protein (p.Lys711Glu).

Laboratory of Molecular Epidemiology of Birth Defects, West China Second University Hospital, Sichuan University
Classification: Benign for Ovarian cancer. Last evaluated: 2022-01-01. Review status: criteria provided, single submitter. Criteria: ACMG Guidelines, 2015. Collection method: clinical testing. Allele origin: germline. Affected: yes.

NM_007294.4(BRCA1):c.2131A>G (p.Lys711Glu)

Gene: BRCA1 (BRCA1 DNA repair associated; minus strand). Cytogenetic location: 17q21.31.
Variant type: single nucleotide variant.
Coding change: c.2131A>G on transcript NM_007294.4 (MANE Select); coding-DNA position 2131, A replaced by G.
Protein change: p.Lys711Glu; replaces lysine 711 with glutamic acid.
Molecular consequence: missense variant. On other transcripts: intron variant (137).
Genome position (GRCh38, 1-based): chr17:43,093,400, T>C on the plus strand (A>G on the coding strand, the complement: BRCA1 is on the minus strand). VCF-style: chr17-43093400-T-C. GRCh37 (hg19) VCF-style: chr17-41245417-T-C.
Other names: c.1990A>G, p.Lys664Glu (NM_001407726.1, NM_001407727.1, NM_001407728.1 and 29 more transcripts); c.1987A>G, p.Lys663Glu (NM_001407740.1, NM_001407741.1, NM_001407742.1 and 20 more transcripts); c.1918A>G, p.Lys640Glu (NM_001407853.1, NM_001407894.1, NM_001407895.1 and 9 more transcripts); c.2131A>G, p.Lys711Glu (NM_001407854.1, NM_001407858.1, NM_001407859.1 and 30 more transcripts); c.2128A>G, p.Lys710Glu (NM_001407860.1, NM_001407861.1, NM_001407587.1 and 22 more transcripts); c.1930A>G, p.Lys644Glu (NM_001407862.1); c.2008A>G, p.Lys670Glu (NM_001407863.1, NM_001407919.1, NM_001407937.1 and 19 more transcripts); c.1927A>G, p.Lys643Glu (NM_001407874.1, NM_001407875.1); and 41 more; short protein forms K711E, K664E, K583E, K685E, K710E, K415E, K600E, K623E.
Identifiers: ClinVar variation 229793 (VCV000229793.20), dbSNP rs747046197, ClinGen allele CA058796.